The following is an entry in ClinVar:

NM_005506.4(SCARB2):c.38C>T (p.Ser13Phe)

Gene: SCARB2 (scavenger receptor class B member 2; minus strand). Cytogenetic location: 4q21.1.
Variant type: single nucleotide variant.
Coding change: c.38C>T on transcript NM_005506.4 (MANE Select); coding-DNA position 38, C replaced by T.
Protein change: p.Ser13Phe; replaces serine 13 with phenylalanine.
Molecular consequence: missense variant.
Genome position (GRCh38, 1-based): chr4:76,213,506, G>A on the plus strand (C>T on the coding strand, the complement: SCARB2 is on the minus strand). VCF-style: chr4-76213506-G-A. GRCh37 (hg19) VCF-style: chr4-77134659-G-A.
Other names: c.38C>T, p.Ser13Phe (NM_001204255.2); short protein forms S13F.
Identifiers: ClinVar variation 590041 (VCV000590041.16), dbSNP rs144791636, ClinGen allele CA2970435.

ClinVar aggregate classification (germline): Uncertain significance. Review status: criteria provided, multiple submitters, no conflicts (2 of 4 stars). 4 submissions from 4 submitters: Uncertain significance (4). Last evaluated 2024-12-09.

Conditions:
Inborn genetic diseases. Identifiers: MedGen C0950123, MeSH D030342.
Progressive myoclonic epilepsy. Also called: Myoclonus epilepsy; Progressive myoclonus epilepsy; Myoclonic Epilepsies, Progressive; Familial progressive myoclonic epilepsy. Identifiers: Orphanet 308, Orphanet 98261, MedGen C0751778, MONDO:0020074.
Action myoclonus-renal failure syndrome. Also called: SCARB2-Related Action Myoclonus-Renal Failure Syndrome; EPILEPSY, PROGRESSIVE MYOCLONIC, 4, WITH RENAL FAILURE; EPILEPSY, PROGRESSIVE MYOCLONIC, 4, WITHOUT RENAL FAILURE; MYOCLONUS-NEPHROPATHY SYNDROME. Identifiers: Orphanet 163696, MedGen C0751779, MeSH D020191, MONDO:0009699, OMIM 254900.

Allele frequency attached by ClinVar (database versions not stated): gnomAD exomes 0.00001 and 0.00002; ExAC 0.00002; TOPMed 0.00007; gnomAD 0.00011 and 0.00012; ESP Exome Variant Server 0.00023.
gnomAD v4.1: 37 of 1,610,790 alleles (0.0023%); highest among the groups gnomAD compares: African/African-American, 0.033%; no homozygotes.

Submissions (4):

Labcorp Genetics (formerly Invitae), Labcorp
Classification: Uncertain significance for Progressive myoclonic epilepsy. Last evaluated: 2024-12-09. Review status: criteria provided, single submitter. Criteria: Invitae Variant Classification Sherloc (09022015). Collection method: clinical testing. Allele origin: germline.
Comment: This sequence change replaces serine, which is neutral and polar, with phenylalanine, which is neutral and non-polar, at codon 13 of the SCARB2 protein (p.Ser13Phe). This variant is present in population databases (rs144791636, gnomAD 0.04%). This variant has not been reported in the literature in individuals affected with SCARB2-related conditions. ClinVar contains an entry for this variant (Variation ID: 590041). Invitae Evidence Modeling of protein sequence and biophysical properties (such as structural, functional, and spatial information, amino acid conservation, physicochemical variation, residue mobility, and thermodynamic stability) indicates that this missense variant is not expected to disrupt SCARB2 protein function with a negative predictive value of 80%. In summary, the available evidence is currently insufficient to determine the role of this variant in disease. Therefore, it has been classified as a Variant of Uncertain Significance.

Center for Genomics, Ann and Robert H. Lurie Children's Hospital of Chicago
Classification: Uncertain significance for Action myoclonus-renal failure syndrome. Last evaluated: 2022-02-03. Review status: criteria provided, single submitter. Criteria: ACMG Guidelines, 2015. Collection method: clinical testing. Allele origin: germline.
Comment: SCARB2 NM_005506.3 exon 1 p.Ser13Phe (c.38C>T): This variant has not been reported in the literature but is present in 0.04% (17/41468) of African alleles in the Genome Aggregation Database. This variant is present in ClinVar (Variation ID:590041). Evolutionary conservation suggests that this variant may impact the protein; computational predictive tools suggest that this variant may not impact the protein. In summary, data on this variant is insufficient for disease classification. Therefore, the clinical significance of this variant is uncertain.

Fulgent Genetics
Classification: Uncertain significance for Action myoclonus-renal failure syndrome. Last evaluated: 2021-11-12. Review status: criteria provided, single submitter. Criteria: ACMG Guidelines, 2015. Collection method: clinical testing. Allele origin: unknown.

Ambry Genetics
Classification: Uncertain significance for Inborn genetic diseases. Last evaluated: 2017-01-12. Review status: criteria provided, single submitter. Criteria: Ambry Variant Classification Scheme 2023. Collection method: clinical testing. Allele origin: germline.
Comment: The p.S13F variant (also known as c.38C>T), located in coding exon 1 of the SCARB2 gene, results from a C to T substitution at nucleotide position 38. The serine at codon 13 is replaced by phenylalanine, an amino acid with highly dissimilar properties. This amino acid position is highly conserved in available vertebrate species. In addition, the in silico prediction for this alteration is inconclusive. Since supporting evidence is limited at this time, the clinical significance of this variant remains unclear.